The following is an entry in ClinVar:

ClinVar aggregate classification (germline): Uncertain significance (1 of 4 stars; one submission).

gnomAD v4.1: 1 of 1,612,924 alleles (0.000062%); highest among the groups gnomAD compares: Admixed American, 0.0017%; no homozygotes.

Submission:

Labcorp Genetics (formerly Invitae), Labcorp
Classification: Uncertain significance. Last evaluated: 2024-12-19. Review status: criteria provided, single submitter. Criteria: Invitae Variant Classification Sherloc (09022015). Collection method: clinical testing. Allele origin: germline.
Comment: This sequence change replaces serine, which is neutral and polar, with phenylalanine, which is neutral and non-polar, at codon 2394 of the KMT2A protein (p.Ser2394Phe). This variant is present in population databases (no rsID available, gnomAD 0.006%). This variant has not been reported in the literature in individuals affected with KMT2A-related conditions. Invitae Evidence Modeling of protein sequence and biophysical properties (such as structural, functional, and spatial information, amino acid conservation, physicochemical variation, residue mobility, and thermodynamic stability) indicates that this missense variant is not expected to disrupt KMT2A protein function with a negative predictive value of 95%. In summary, the available evidence is currently insufficient to determine the role of this variant in disease. Therefore, it has been classified as a Variant of Uncertain Significance.

NM_001197104.2(KMT2A):c.7181C>T (p.Ser2394Phe)

Gene: KMT2A (lysine methyltransferase 2A; plus strand). Cytogenetic location: 11q23.3.
Variant type: single nucleotide variant.
Coding change: c.7181C>T on transcript NM_001197104.2 (MANE Select); coding-DNA position 7181, C replaced by T.
Protein change: p.Ser2394Phe; replaces serine 2394 with phenylalanine.
Molecular consequence: missense variant.
Genome position (GRCh38, 1-based): chr11:118,503,073, C>T. VCF-style: chr11-118503073-C-T. GRCh37 (hg19) VCF-style: chr11-118373788-C-T.
Other names: c.7271C>T, p.Ser2424Phe (NM_001412597.1); c.7172C>T, p.Ser2391Phe (NM_005933.4); short protein forms S2391F, S2394F, S2424F.
Identifiers: ClinVar variation 3607986 (VCV003607986.2).
Genomic context (GRCh38, chr11:118,503,073, plus strand): 5'-ATTTGAGAGGGCAAAGGAATGATCGAGACCAACACACAGATTCTACCCAATCAGCAAACT[C>T]CTCTCCAGATGAAGATACTGAAGTCAAAACCTTGAAGCTATCTGGAATGAGCAACAGATC-3'
Protein context (NP_001184033.1, residues 2384-2404): QHTDSTQSAN[Ser2394Phe]SPDEDTEVKT